The following is an entry in ClinVar:

NM_001291303.3(FAT4):c.7028C>A (p.Ala2343Asp)

Gene: FAT4 (FAT atypical cadherin 4; plus strand). Cytogenetic location: 4q28.1.
Variant type: single nucleotide variant.
Coding change: c.7028C>A on transcript NM_001291303.3 (MANE Select); coding-DNA position 7028, C replaced by A.
Protein change: p.Ala2343Asp; replaces alanine 2343 with aspartic acid.
Molecular consequence: missense variant.
Genome position (GRCh38, 1-based): chr4:125,434,254, C>A. VCF-style: chr4-125434254-C-A. GRCh37 (hg19) VCF-style: chr4-126355409-C-A.
Other names: c.7028C>A, p.Ala2343Asp (NM_001291285.3, NM_024582.6); short protein forms A2343D.
Identifiers: ClinVar variation 1977936 (VCV001977936.5), dbSNP rs773830558, ClinGen allele CA358134973.

ClinVar aggregate classification (germline): Uncertain significance (1 of 4 stars; one submission).

Submission:

Labcorp Genetics (formerly Invitae), Labcorp
Classification: Uncertain significance. Last evaluated: 2022-03-29. Review status: criteria provided, single submitter. Criteria: Invitae Variant Classification Sherloc (09022015). Collection method: clinical testing. Allele origin: germline.
Comment: In summary, the available evidence is currently insufficient to determine the role of this variant in disease. Therefore, it has been classified as a Variant of Uncertain Significance. Advanced modeling of protein sequence and biophysical properties (such as structural, functional, and spatial information, amino acid conservation, physicochemical variation, residue mobility, and thermodynamic stability) performed at Invitae indicates that this missense variant is not expected to disrupt FAT4 protein function. This variant has not been reported in the literature in individuals affected with FAT4-related conditions. This variant is not present in population databases (gnomAD no frequency). This sequence change replaces alanine, which is neutral and non-polar, with aspartic acid, which is acidic and polar, at codon 2343 of the FAT4 protein (p.Ala2343Asp).